The following is an entry in ClinVar:

ClinVar aggregate classification (germline): Likely benign. Review status: criteria provided, multiple submitters, no conflicts (2 of 4 stars). 2 submissions from 2 submitters: Likely benign (2). Last evaluated 2025-09-14.

Conditions:
Autosomal recessive limb-girdle muscular dystrophy type 2J (LGMDR10). Also called: Limb-girdle muscular dystrophy, type 2J; MUSCULAR DYSTROPHY, LIMB-GIRDLE, AUTOSOMAL RECESSIVE 10. Identifiers: Orphanet 140922, MedGen C1837342, MONDO:0012127, OMIM 608807.
Dilated cardiomyopathy 1G (CMD1G). Identifiers: Orphanet 154, MedGen C1858763, MONDO:0011400, OMIM 604145.

gnomAD v4.1: 1 of 1,613,428 alleles (0.000062%); highest among the groups gnomAD compares: Middle Eastern, 0.017%; no homozygotes.

Submissions (2):

Labcorp Genetics (formerly Invitae), Labcorp
Classification: Likely benign for Dilated cardiomyopathy 1G; Autosomal recessive limb-girdle muscular dystrophy type 2J. Last evaluated: 2025-09-14. Review status: criteria provided, single submitter. Criteria: Invitae Variant Classification Sherloc (09022015). Collection method: clinical testing. Allele origin: germline.

CeGaT Center for Human Genetics Tuebingen
Classification: Likely benign. Last evaluated: 2025-03-01. Review status: criteria provided, single submitter. Criteria: CeGaT Center For Human Genetics Tuebingen Variant Classification Criteria Version 2. Collection method: clinical testing. Allele origin: germline. Affected: yes. Observed: 1 variant allele.
Comment: TTN: BP4, BP7

NM_001267550.2(TTN):c.77196G>A (p.Gln25732=)

Genes: TTN (titin; minus strand), TTN-AS1 (TTN antisense RNA 1; plus strand). Cytogenetic location: 2q31.2.
Variant type: single nucleotide variant.
Coding change: c.77196G>A on transcript NM_001267550.2 (MANE Select); coding-DNA position 77196, G replaced by A.
Protein change: p.Gln25732=; no amino-acid change (glutamine 25732 retained).
Molecular consequence: synonymous variant.
Genome position (GRCh38, 1-based): chr2:178,568,936, C>T on the plus strand (G>A on the coding strand, the complement: TTN is on the minus strand). VCF-style: chr2-178568936-C-T. GRCh37 (hg19) VCF-style: chr2-179433663-C-T.
Other names: c.72273G>A, p.Gln24091= (NM_001256850.1); c.50001G>A, p.Gln16667= (NM_003319.4); c.69492G>A, p.Gln23164= (NM_133378.4); c.50376G>A, p.Gln16792= (NM_133432.3); c.50577G>A, p.Gln16859= (NM_133437.4).
Identifiers: ClinVar variation 3778442 (VCV003778442.8).